The following is an entry in ClinVar:

NM_000784.4(CYP27A1):c.958C>T (p.Leu320Phe)

Gene: CYP27A1 (cytochrome P450 family 27 subfamily A member 1; plus strand). Cytogenetic location: 2q35.
Variant type: single nucleotide variant.
Coding change: c.958C>T on transcript NM_000784.4 (MANE Select); coding-DNA position 958, C replaced by T.
Protein change: p.Leu320Phe; replaces leucine 320 with phenylalanine.
Molecular consequence: missense variant.
Genome position (GRCh38, 1-based): chr2:218,813,037, C>T. VCF-style: chr2-218813037-C-T. GRCh37 (hg19) VCF-style: chr2-219677760-C-T.
Other names: p.Leu320Phe; short protein forms L320F.
Identifiers: ClinVar variation 284184 (VCV000284184.17), dbSNP rs367855115, ClinGen allele CA2112762.
Genomic context (GRCh38, chr2:218,813,037, plus strand): 5'-GCAGGGCCAGATGGCATCCAGGTGTCTGGCTACCTGCACTTCTTACTGGCCAGTGGACAG[C>T]TCAGTCCTCGGGAGGCCATGGGCAGCCTGCCTGAGCTGCTCATGGCTGGAGTGGACACGG-3'
Protein context (NP_000775.1, residues 310-330): YLHFLLASGQ[Leu320Phe]SPREAMGSLP

ClinVar aggregate classification (germline): Uncertain significance. Review status: criteria provided, multiple submitters, no conflicts (2 of 4 stars). 7 submissions from 7 submitters: Uncertain significance (6). 1 of the submissions does not count toward it. Last evaluated 2024-12-12.

Conditions:
CYP27A1-related disorder. Also called: CYP27A1-related condition.
Cardiovascular phenotype. Identifiers: MedGen CN230736.
Cholestanol storage disease (CTX). Also called: CEREBRAL CHOLESTERINOSIS; CTX: Cerebrotendinous xanthomatosis; Cerebrotendinous Xanthomatosis. Identifiers: Orphanet 909, MedGen C0238052, MONDO:0008948, OMIM 213700.

Allele frequency attached by ClinVar (database versions not stated): ESP Exome Variant Server 0.00008; gnomAD exomes 0.00009 and 0.00012; ExAC 0.00015; gnomAD 0.00033 and 0.00038; TOPMed 0.00035.
gnomAD v4.1: 194 of 1,614,242 alleles (0.012%); highest among the groups gnomAD compares: African/African-American, 0.1%; no homozygotes.

Submissions (7):

GeneDx
Classification: Uncertain significance. Last evaluated: 2024-12-12. Review status: criteria provided, single submitter. Criteria: GeneDx Variant Classification Process June 2021. Collection method: clinical testing. Allele origin: germline. Affected: yes.
Comment: In silico analysis supports that this missense variant has a deleterious effect on protein structure/function; Has not been previously published as pathogenic or benign to our knowledge

Ambry Genetics
Classification: Uncertain significance for Cardiovascular phenotype. Last evaluated: 2024-09-23. Review status: criteria provided, single submitter. Criteria: Ambry Variant Classification Scheme 2023. Collection method: clinical testing. Allele origin: germline.
Comment: The p.L320F variant (also known as c.958C>T), located in coding exon 5 of the CYP27A1 gene, results from a C to T substitution at nucleotide position 958. The leucine at codon 320 is replaced by phenylalanine, an amino acid with highly similar properties. This amino acid position is conserved. In addition, the in silico prediction for this alteration is inconclusive. Since supporting evidence is limited at this time, the clinical significance of this alteration remains unclear.

Blueprint Genetics
Classification: Uncertain significance. Last evaluated: 2024-06-10. Review status: criteria provided, single submitter. Criteria: ACMG Guidelines, 2015. Collection method: clinical testing. Allele origin: germline.

Labcorp Genetics (formerly Invitae), Labcorp
Classification: Uncertain significance for Cholestanol storage disease. Last evaluated: 2022-10-17. Review status: criteria provided, single submitter. Criteria: Invitae Variant Classification Sherloc (09022015). Collection method: clinical testing. Allele origin: germline.
Comment: This sequence change replaces leucine, which is neutral and non-polar, with phenylalanine, which is neutral and non-polar, at codon 320 of the CYP27A1 protein (p.Leu320Phe). This variant is present in population databases (rs367855115, gnomAD 0.1%). This variant has not been reported in the literature in individuals affected with CYP27A1-related conditions. ClinVar contains an entry for this variant (Variation ID: 284184). Advanced modeling of protein sequence and biophysical properties (such as structural, functional, and spatial information, amino acid conservation, physicochemical variation, residue mobility, and thermodynamic stability) has been performed at Invitae for this missense variant, however the output from this modeling did not meet the statistical confidence thresholds required to predict the impact of this variant on CYP27A1 protein function. In summary, the available evidence is currently insufficient to determine the role of this variant in disease. Therefore, it has been classified as a Variant of Uncertain Significance.

Mayo Clinic Laboratories, Mayo Clinic
Classification: Uncertain significance. Last evaluated: 2021-07-08. Review status: criteria provided, single submitter. Criteria: ACMG Guidelines, 2015. Collection method: clinical testing. Allele origin: germline.

Eurofins Ntd Llc (ga)
Classification: Uncertain significance. Last evaluated: 2018-01-10. Review status: criteria provided, single submitter. Criteria: EGL Classification Definitions 2015. Collection method: clinical testing. Allele origin: germline. Observed: 3 variant alleles, 3 heterozygotes.

PreventionGenetics, part of Exact Sciences
Classification: Uncertain significance for CYP27A1-related condition. Last evaluated: 2023-12-13. Review status: no assertion criteria provided. Collection method: clinical testing. Allele origin: germline. Not counted in ClinVar's aggregate classification.
Comment: The CYP27A1 c.958C>T variant is predicted to result in the amino acid substitution p.Leu320Phe. To our knowledge, this variant has not been reported in the literature. This variant is reported in 0.12% of alleles in individuals of African descent in gnomAD, which is likely too common for an unreported disease-causing variant. Although we suspect that this variant may be benign, at this time, the clinical significance of this variant is uncertain due to the absence of conclusive functional and genetic evidence.